The following is an entry in ClinVar:

ClinVar aggregate classification (germline): Benign/Likely benign. Review status: criteria provided, multiple submitters, no conflicts (2 of 4 stars). 4 submissions from 4 submitters: Benign (2); Likely benign (1). 1 of the submissions does not count toward it. Last evaluated 2025-12-09.

Conditions:
CDHR1-related disorder. Also called: CDHR1-related condition.

Allele frequency attached by ClinVar (database versions not stated): gnomAD exomes 0.00024; ExAC 0.00031; ESP Exome Variant Server 0.00062; gnomAD 0.00117 and 0.00123; TOPMed 0.00119; 1000 Genomes Project 0.00200; 1000 Genomes Project 30x 0.00265.
gnomAD v4.1: 321 of 1,609,846 alleles (0.02%); highest among the groups gnomAD compares: African/African-American, 0.4%; 1 homozygote.

Submissions (4):

Labcorp Genetics (formerly Invitae), Labcorp
Classification: Benign. Last evaluated: 2025-12-09. Review status: criteria provided, single submitter. Criteria: Invitae Variant Classification Sherloc (09022015). Collection method: clinical testing. Allele origin: germline.

Blueprint Genetics
Classification: Likely benign. Last evaluated: 2022-12-01. Review status: criteria provided, single submitter. Criteria: ACMG Guidelines, 2015. Collection method: clinical testing. Allele origin: germline.

Breakthrough Genomics
Classification: Benign. Review status: criteria provided, single submitter. Criteria: ACMG Guidelines, 2015. Collection method: not provided. Allele origin: germline. Inheritance: Autosomal recessive inheritance. Affected: yes.

PreventionGenetics, part of Exact Sciences
Classification: Likely benign for CDHR1-related condition. Last evaluated: 2024-09-10. Review status: no assertion criteria provided. Collection method: clinical testing. Allele origin: germline. Not counted in ClinVar's aggregate classification.
Comment: This variant is classified as likely benign based on ACMG/AMP sequence variant interpretation guidelines (Richards et al. 2015 PMID: 25741868, with internal and published modifications).

NM_033100.4(CDHR1):c.579G>A (p.Gln193=)

Gene: CDHR1 (cadherin related family member 1; plus strand). Cytogenetic location: 10q23.1.
Variant type: single nucleotide variant.
Coding change: c.579G>A on transcript NM_033100.4 (MANE Select); coding-DNA position 579, G replaced by A.
Protein change: p.Gln193=; no amino-acid change (glutamine 193 retained).
Molecular consequence: synonymous variant.
Genome position (GRCh38, 1-based): chr10:84,201,860, G>A. VCF-style: chr10-84201860-G-A. GRCh37 (hg19) VCF-style: chr10-85961616-G-A.
Other names: c.579G>A (NM_033100.3); c.579G>A, p.Gln193= (NM_001171971.3).
Identifiers: ClinVar variation 1166207 (VCV001166207.12), dbSNP rs150979616, ClinGen allele CA5579596.